The following is an entry in ClinVar:

Conditions:
Breast-ovarian cancer, familial, susceptibility to, 1 (BROVCA1). Also called: BRCA1 Hereditary Breast and Ovarian Cancer; OVARIAN CANCER, SUSCEPTIBILITY TO. Identifiers: Orphanet 145, MedGen C2676676, MONDO:0011450, OMIM 604370. Disease mechanism: loss of function.

Submission:

Brotman Baty Institute, University of Washington
No classification provided (evidence only). Condition: Breast-ovarian cancer, familial 1. Review status: no classification provided. Collection method: in vitro. Allele origin: not applicable. Functional consequence: functionally_normal.
ClinVar note: "not provided" was previously submitted as the classification for the variant. However, the classification appeared to be based only on an observation of functional data so it was converted to no classification on 2025-07-30.

NM_007294.4(BRCA1):c.5139A>T (p.Val1713=)

Gene: BRCA1 (BRCA1 DNA repair associated; minus strand). Cytogenetic location: 17q21.31.
Variant type: single nucleotide variant.
Coding change: c.5139A>T on transcript NM_007294.4 (MANE Select); coding-DNA position 5139, A replaced by T.
Protein change: p.Val1713=; no amino-acid change (valine 1713 retained).
Molecular consequence: synonymous variant. On other transcripts: intron variant (2).
Genome position (GRCh38, 1-based): chr17:43,063,887, T>A on the plus strand (A>T on the coding strand, the complement: BRCA1 is on the minus strand). VCF-style: chr17-43063887-T-A. GRCh37 (hg19) VCF-style: chr17-41215904-T-A.
Other names: c.1827A>T, p.Val609= (NM_001407991.1, NM_001407992.1, NM_001407993.1 and 13 more transcripts); c.1824A>T, p.Val608= (NM_001408392.1, NM_001408396.1, NM_001408397.1 and 8 more transcripts); c.1821A>T, p.Val607= (NM_001408406.1, NM_001408407.1, NM_001408408.1); c.1818A>T, p.Val606= (NM_001408409.1); c.1755A>T, p.Val585= (NM_001408410.1); c.1752A>T, p.Val584= (NM_001408411.1); c.1749A>T, p.Val583= (NM_001408412.1, NM_001408413.1, NM_001408414.1 and 2 more transcripts); c.1713A>T, p.Val571= (NM_001408418.1, NM_001408419.1, NM_001408420.1); and 73 more.
Identifiers: ClinVar variation 865009 (VCV000865009.3), dbSNP rs1555578550, ClinGen allele CA500146145.